The following is an entry in ClinVar:

ClinVar aggregate classification (germline): Conflicting classifications of pathogenicity. Review status: criteria provided, conflicting classifications (1 of 4 stars). 2 submissions from 2 submitters: Uncertain significance (1); Likely benign (1). Last evaluated 2026-01-13.

Allele frequency attached by ClinVar (database versions not stated): gnomAD 0.00002; gnomAD exomes 0.00002 and 0.00006; TOPMed 0.00003; ExAC 0.00010.
gnomAD v4.1: 38 of 1,612,996 alleles (0.0024%); highest among the groups gnomAD compares: Non-Finnish European, 0.0029%; no homozygotes.

Submissions (2):

Labcorp Genetics (formerly Invitae), Labcorp
Classification: Likely benign. Last evaluated: 2026-01-13. Review status: criteria provided, single submitter. Criteria: Invitae Variant Classification Sherloc (09022015). Collection method: clinical testing. Allele origin: germline.

GeneDx
Classification: Uncertain significance. Last evaluated: 2025-07-02. Review status: criteria provided, single submitter. Criteria: GeneDx Variant Classification Process June 2021. Collection method: clinical testing. Allele origin: germline. Affected: yes.
Comment: Not observed at significant frequency in large population cohorts (gnomAD); In silico analysis suggests that this variant does not alter splicing; Has not been previously published as pathogenic or benign to our knowledge

NM_001953.5(TYMP):c.411C>T (p.Gly137=)

Gene: TYMP (thymidine phosphorylase; minus strand). Cytogenetic location: 22q13.33.
Variant type: single nucleotide variant.
Coding change: c.411C>T on transcript NM_001953.5 (MANE Select); coding-DNA position 411, C replaced by T.
Protein change: p.Gly137=; no amino-acid change (glycine 137 retained).
Molecular consequence: synonymous variant.
Genome position (GRCh38, 1-based): chr22:50,529,142, G>A on the plus strand (C>T on the coding strand, the complement: TYMP is on the minus strand). VCF-style: chr22-50529142-G-A. GRCh37 (hg19) VCF-style: chr22-50967571-G-A.
Other names: c.411C>T, p.Gly137= (NM_001113755.3, NM_001113756.3, NM_001257988.1 and 1 more transcripts); c.411C>T (NM_001953.3).
Identifiers: ClinVar variation 1531062 (VCV001531062.9), dbSNP rs754615215, ClinGen allele CA10321782.